The following is an entry in ClinVar:

NM_017780.4(CHD7):c.2753G>A (p.Trp918Ter)

Gene: CHD7 (chromodomain helicase DNA binding protein 7; plus strand). Cytogenetic location: 8q12.2.
Variant type: single nucleotide variant.
Coding change: c.2753G>A on transcript NM_017780.4 (MANE Select); coding-DNA position 2753, G replaced by A.
Protein change: p.Trp918Ter; replaces tryptophan 918 with a stop codon.
Molecular consequence: nonsense. On other transcripts: intron variant (1).
Genome position (GRCh38, 1-based): chr8:60,821,845, G>A. VCF-style: chr8-60821845-G-A. GRCh37 (hg19) VCF-style: chr8-61734404-G-A.
Other names: c.1717-40384G>A (NM_001316690.1); short protein forms W918*.
Identifiers: ClinVar variation 4055752 (VCV004055752.1).

ClinVar aggregate classification (germline): Pathogenic (1 of 4 stars; one submission).

Submission:

GeneDx
Classification: Pathogenic. Last evaluated: 2024-12-31. Review status: criteria provided, single submitter. Criteria: GeneDx Variant Classification Process June 2021. Collection method: clinical testing. Allele origin: germline. Affected: yes.
Comment: Not observed at significant frequency in large population cohorts (gnomAD); Nonsense variant predicted to result in protein truncation or nonsense mediated decay in a gene for which loss of function is a known mechanism of disease; This variant is associated with the following publications: (PMID: 25525159, 39217482, 21158681, 21554267)